The following is an entry in ClinVar:

ClinVar aggregate classification (germline): Uncertain significance (1 of 4 stars; one submission).

Conditions:
Catecholaminergic polymorphic ventricular tachycardia 1. Also called: VENTRICULAR TACHYCARDIA, CATECHOLAMINERGIC POLYMORPHIC, 1, WITH OR WITHOUT ATRIAL DYSFUNCTION AND/OR DILATED CARDIOMYOPATHY; RYR2-Related Catecholaminergic Polymorphic Ventricular Tachycardia; VENTRICULAR TACHYCARDIA, STRESS-INDUCED POLYMORPHIC 1. Identifiers: Orphanet 3286, MedGen C1631597, MONDO:0011484, OMIM 604772.

Submission:

Labcorp Genetics (formerly Invitae), Labcorp
Classification: Uncertain significance for Catecholaminergic polymorphic ventricular tachycardia 1. Last evaluated: 2017-10-24. Review status: criteria provided, single submitter. Criteria: Invitae Variant Classification Sherloc (09022015). Collection method: clinical testing. Allele origin: germline.
Comment: In summary, the available evidence is currently insufficient to determine the role of this variant in disease. Therefore, it has been classified as a Variant of Uncertain Significance. This variant has not been reported in the literature in individuals with TRDN-related disease. This variant is a gross duplication of the genomic region encompassing exons 8-41 of the TRDN gene. The 5' boundary is likely confined to intron 7 of the TRDN gene. The 3' end of this event is unknown as it extends beyond the assayed region for this gene and therefore may encompass additional genes. The exact location of this variant in the genome is unknown.

NC_000006.11:g.(?_123539726)_(123825066_?)dup

Genes: TRDN (triadin; minus strand), TRDN-AS1 (TRDN antisense RNA 1; plus strand), LOC129389631 (MPRA-validated peak6085 silencer; plus strand). Cytogenetic location: 6q22.31.
Variant type: Duplication.
Identifiers: ClinVar variation 532432 (VCV000532432.45).